The following is an entry in ClinVar:

NM_052995.2(CLRN1):c.300T>G (p.Tyr100Ter)

Gene: CLRN1 (clarin 1; minus strand). Cytogenetic location: 3q25.1.
Variant type: single nucleotide variant.
Coding change: c.300T>G on transcript NM_052995.2; coding-DNA position 300, T replaced by G.
Protein change: p.Tyr100Ter; replaces tyrosine 100 with a stop codon.
Molecular consequence: nonsense (on NM_001195794.1).
Genome position (GRCh38, 1-based): chr3:150,928,107, A>C on the plus strand (T>G on the coding strand, the complement: CLRN1 is on the minus strand). VCF-style: chr3-150928107-A-C. GRCh37 (hg19) VCF-style: chr3-150645894-A-C.
Other names: c.567T>G, p.Tyr189Ter (NM_001195794.1); c.*142T>G (NM_001256819.2); c.528T>G, p.Tyr176Ter (NM_174878.3); short protein forms Y176*, Y100*, Y189*.
Identifiers: ClinVar variation 4392 (VCV000004392.42), dbSNP rs121908140, ClinGen allele CA000001.

ClinVar aggregate classification (germline): Pathogenic/Likely pathogenic. Review status: criteria provided, multiple submitters, no conflicts (2 of 4 stars). 17 submissions from 17 submitters: Pathogenic (12); Likely pathogenic (1). 4 of the submissions do not count toward it. Last evaluated 2026-01-27.

Conditions:
Usher syndrome type 3A (USH3A). Also called: USHER SYNDROME, TYPE IIIA. Identifiers: MedGen C5779850, MONDO:0010170, OMIM 276902.
Retinitis pigmentosa (RP). Identifiers: Orphanet 791, MedGen C0035334, MeSH D012174, MONDO:0019200, OMIM 268000. Inheritance: Autosomal dominant, autosomal recessive and X linked inheritance.
Retinitis pigmentosa 61 (RP61). Identifiers: Orphanet 791, MedGen C3280041, MONDO:0013610, OMIM 614180.
CLRN1-related disorder. Also called: CLRN1-related condition.
Usher syndrome type 3. Also called: Usher Syndrome, Type III. Identifiers: Orphanet 231183, MedGen C1568248, MONDO:0016485.
Hearing impairment. Also called: Impaired Hearing. Identifiers: MedGen C1384666, MONDO:0005365, HP:0000365.

Allele frequency attached by ClinVar (database versions not stated): TOPMed 0.00003; ExAC 0.00049; gnomAD 0.00089.
gnomAD v4.1: 453 of 1,613,604 alleles (0.028%); highest among the groups gnomAD compares: Non-Finnish European, 0.0052%; 2 homozygotes.

Submissions (17):

Labcorp Genetics (formerly Invitae), Labcorp
Classification: Pathogenic. Last evaluated: 2026-01-27. Review status: criteria provided, single submitter. Criteria: Invitae Variant Classification Sherloc (09022015). Collection method: clinical testing. Allele origin: germline.
Comment: This sequence change creates a premature translational stop signal (p.Tyr176*) in the CLRN1 gene. While this is not anticipated to result in nonsense mediated decay, it is expected to disrupt the last 57 amino acid(s) of the CLRN1 protein. This variant is present in population databases (rs121908140, gnomAD 0.7%), and has an allele count higher than expected for a pathogenic variant. This premature translational stop signal has been observed in individual(s) with Usher syndrome type 3 (PMID: 11524702, 12145752, 22681893). In at least one individual the data is consistent with being in trans (on the opposite chromosome) from a pathogenic variant. It has also been observed to segregate with disease in related individuals. This variant is also known as Y100X. ClinVar contains an entry for this variant (Variation ID: 4392). Algorithms developed to predict the effect of variants on gene product structure and function are not available or were not evaluated for this variant. Experimental studies have shown that this premature translational stop signal affects CLRN1 function (PMID: 19753315). Algorithms developed to predict the effect of sequence changes on RNA splicing suggest that this variant may disrupt the consensus splice site. For these reasons, this variant has been classified as Pathogenic.

PreventionGenetics, part of Exact Sciences
Classification: Pathogenic for CLRN1-related condition. Last evaluated: 2025-07-10. Review status: criteria provided, single submitter. Criteria: ACMG Guidelines, 2015. Collection method: clinical testing. Allele origin: germline.
Comment: The CLRN1 c.567T>G variant is predicted to result in premature protein termination (p.Tyr189*). This variant, also known as c.528T>G (p.Tyr176*) in the literature, has been reported in the homozygous state or compound heterozygous state to be causative for Usher syndrome and retinal dystrophy, and was proposed to be a founder mutation in the Finnish population (described as c.300T>G (Y100X), Joensuu et al. 2001. PubMed ID: 11524702; Fields et al. 2002. PubMed ID: 12145752; Västinsalo et al. 2013. PubMed ID: 22681893; Avela et al. 2018. PubMed ID: 29068140). This variant is reported in 0.70% of alleles in individuals of European (Finnish) descent in gnomAD. Nonsense variants in CLRN1 are expected to be pathogenic. This variant is interpreted as pathogenic.

Variantyx, Inc.
Classification: Pathogenic for Usher syndrome type 3A. Last evaluated: 2025-03-19. Review status: criteria provided, single submitter. Criteria: Variantyx Assertion Criteria 2022. Collection method: clinical testing. Allele origin: germline. Inheritance: Autosomal recessive inheritance.
Comment: This is a nonsense variant in the CLRN1 gene (OMIM: 606397). Pathogenic variants in this gene have been associated with autosomal recessive Usher syndrome type 3A. This variant introduces a premature termination codon in exon 3 out of 3 and is expected to result in loss of function, which is a known disease mechanism for CLRN1 in this disorder (PVS1). This variant has a 0.0052% maximum allele frequency in non-founder control populations (PM2). Based on the current evidence, this variant is classified as pathogenic for autosomal recessive Usher syndrome type 3A.

Blueprint Genetics
Classification: Pathogenic for CLRN1-related disorders. Last evaluated: 2024-10-28. Review status: criteria provided, single submitter. Criteria: ACMG Guidelines, 2015. Collection method: clinical testing. Allele origin: germline. Affected: yes. Observed: 5 variant alleles.

Natera, Inc.
Classification: Pathogenic for Usher syndrome type 3. Last evaluated: 2024-10-24. Review status: criteria provided, single submitter. Criteria: Natera Variant Classification Schema (03/2026). Collection method: clinical testing. Allele origin: germline.
Comment: The c.528T>G variant in CLRN1 is a nonsense variant predicted to introduce a stop codon at amino acid 176. This variant is expected to result in nonsense mediated decay, truncation, or a dysfunctional protein product. This variant is rare in the general population with a frequency below the threshold expected for the associated phenotype(s). This variant has been observed in one or more individuals affected with the associated recessive disease, as either homozygous or compound heterozygous with a second variant (PMID: 11524702). Given the available evidence, this variant is classified as Pathogenic.

Baylor Genetics
Classification: Pathogenic for Retinitis pigmentosa 61. Last evaluated: 2024-03-11. Review status: criteria provided, single submitter. Criteria: ACMG Guidelines, 2015. Collection method: clinical testing. Allele origin: unknown.

GeneDx
Classification: Pathogenic. Last evaluated: 2023-08-03. Review status: criteria provided, single submitter. Criteria: GeneDx Variant Classification Process June 2021. Collection method: clinical testing. Allele origin: germline. Affected: yes.
Comment: Nonsense variant predicted to result in protein truncation, as the last 57 amino acids are lost, and other loss-of-function variants have been reported downstream in HGMD.; This variant is associated with the following publications: (PMID: 29068140, 27460420, 29490346, 11524702, 25525159, 31456290, 35481838)

Mendelics
Classification: Pathogenic for Retinitis pigmentosa. Last evaluated: 2022-05-04. Review status: criteria provided, single submitter. Criteria: Mendelics Assertion Criteria 2019. Collection method: clinical testing. Allele origin: germline.

Fulgent Genetics
Classification: Pathogenic for Retinitis pigmentosa; Usher syndrome type 3A; Retinitis pigmentosa 61. Last evaluated: 2022-01-07. Review status: criteria provided, single submitter. Criteria: ACMG Guidelines, 2015. Collection method: clinical testing. Allele origin: unknown.

Department of Otolaryngology – Head & Neck Surgery, Cochlear Implant Center
Classification: Likely pathogenic for Hearing impairment. Last evaluated: 2021-04-12. Review status: criteria provided, single submitter. Criteria: ClinGen HL ACMG Specifications v1. Collection method: clinical testing. Allele origin: germline. Affected: yes.
Comment: PVS1_Strong, PM2_Moderate,

Institute of Medical Genetics and Applied Genomics, University Hospital Tübingen
Classification: Pathogenic. Last evaluated: 2020-10-23. Review status: criteria provided, single submitter. Criteria: ACMG Guidelines, 2015. Collection method: clinical testing. Allele origin: germline. Inheritance: Autosomal recessive inheritance. Affected: yes.

Women's Health and Genetics/Laboratory Corporation of America, LabCorp
Classification: Pathogenic for Usher syndrome, type 3A. Last evaluated: 2018-12-14. Review status: criteria provided, single submitter. Criteria: LabCorp Variant Classification Summary - May 2015. Collection method: clinical testing. Allele origin: germline.
Comment: Variant summary: CLRN1 c.528T>G (p.Tyr176X) results in a premature termination codon, predicted to cause a truncation of the encoded protein or absence of the protein due to nonsense mediated decay, which are commonly known mechanisms for disease. The variant allele was found at a frequency of 0.00073 in 277070 control chromosomes in the gnomAD database, including 2 homozygotes. The variant, c.528T>G, has been reported in the literature in multiple individuals affected with Usher Syndrome Type 3 and is considered the most common disease variant in Finland (Joensuu_2001, Isosomppi_2009). To our knowledge, no experimental evidence demonstrating an impact on protein function has been reported. Two clinical diagnostic laboratories have submitted clinical-significance assessments for this variant to ClinVar after 2014 without evidence for independent evaluation. All laboratories classified the variant as pathogenic. Based on the evidence outlined above, the variant was classified as pathogenic.

Eurofins Ntd Llc (ga)
Classification: Pathogenic. Last evaluated: 2016-12-29. Review status: criteria provided, single submitter. Criteria: EGL Classification Definitions 2015. Collection method: clinical testing. Allele origin: germline. Observed: 1 variant allele, 1 heterozygote.

Reproductive Health Research and Development, BGI Genomics
Classification: Pathogenic for Usher syndrome, type 3A. Last evaluated: 2020-01-06. Review status: no assertion criteria provided. Collection method: curation. Allele origin: germline. Not counted in ClinVar's aggregate classification.
Comment: NM_174878.2:c.528T>G in the CLRN1 gene has an allele frequency of 0.007 in European (Finnish) subpopulation in the gnomAD database. This nonsense c.528T>G (p.Tyr176*) variant has been previously identified in 52 homozygous and 2 compound heterozygous individuals with Usher syndrome type III (PMID: 11524702). Taken together, we interprete this variant as Pathogenic/Likely pathogenic. ACMG/AMP Criteria applied: PVS1, PM3_Strong, PP4.

Sharon lab, Hadassah-Hebrew University Medical Center
Classification: Pathogenic for Usher syndrome type 3. Last evaluated: 2019-06-23. Review status: no assertion criteria provided. Collection method: research. Allele origin: inherited. Affected: yes. Not counted in ClinVar's aggregate classification.

Joint Genome Diagnostic Labs from Nijmegen and Maastricht, Radboudumc and MUMC+
Classification: Pathogenic for Usher syndrome type 3A. Last evaluated: 2016-09-01. Review status: no assertion criteria provided. Collection method: clinical testing. Allele origin: inherited. Affected: yes. Observed: 1 variant allele. Not counted in ClinVar's aggregate classification.

OMIM
Classification: Pathogenic for USHER SYNDROME, TYPE IIIA. Last evaluated: 2002-09-01. Review status: no assertion criteria provided. Collection method: literature only. Allele origin: germline. Not counted in ClinVar's aggregate classification.

Literature cited by the submitters: PubMed 11524702 (cited by 5 submitters); PubMed 12145752 (cited by 3 submitters); PubMed 22681893 (cited by Labcorp Genetics (formerly Invitae), Labcorp); PubMed 19753315 (cited by Labcorp Genetics (formerly Invitae), Labcorp and Women's Health and Genetics/Laboratory Corporation of America, LabCorp); PubMed 29068140 (cited by Variantyx, Inc.); PubMed 37734845 (cited by Variantyx, Inc.); PubMed 27460420 (cited by Variantyx, Inc.).